The following is an entry in ClinVar:

ClinVar aggregate classification (germline): Uncertain significance. Review status: criteria provided, multiple submitters, no conflicts (2 of 4 stars). 2 submissions from 2 submitters: Uncertain significance (2). Last evaluated 2025-04-28.

Conditions:
FAM149B1-related disorder. Also called: FAM149B1-related condition.

Allele frequency attached by ClinVar (database versions not stated): gnomAD 0.00001.
gnomAD v4.1: 15 of 1,551,798 alleles (0.00097%); highest among the groups gnomAD compares: Admixed American, 0.027%; no homozygotes.

Submissions (2):

Ambry Genetics
Classification: Uncertain significance. Last evaluated: 2025-04-28. Review status: criteria provided, single submitter. Criteria: Ambry Variant Classification Scheme 2023. Collection method: clinical testing. Allele origin: germline.

PreventionGenetics, part of Exact Sciences
Classification: Uncertain significance for FAM149B1-related condition. Last evaluated: 2023-04-22. Review status: criteria provided, single submitter. Criteria: ACMG Guidelines, 2015. Collection method: clinical testing. Allele origin: germline.
Comment: The FAM149B1 c.187T>G variant is predicted to result in the amino acid substitution p.Ser63Ala. To our knowledge, this variant has not been reported in the literature. This variant is reported in 0.032% of alleles in individuals of Latino descent in gnomAD. At this time, the clinical significance of this variant is uncertain due to the absence of conclusive functional and genetic evidence.

NM_173348.2(FAM149B1):c.187T>G (p.Ser63Ala)

Gene: FAM149B1 (family with sequence similarity 149 member B1; plus strand). Cytogenetic location: 10q22.2.
Variant type: single nucleotide variant.
Coding change: c.187T>G on transcript NM_173348.2 (MANE Select); coding-DNA position 187, T replaced by G.
Protein change: p.Ser63Ala; replaces serine 63 with alanine.
Molecular consequence: missense variant.
Genome position (GRCh38, 1-based): chr10:73,177,880, T>G. VCF-style: chr10-73177880-T-G. GRCh37 (hg19) VCF-style: chr10-74937638-T-G.
Other names: short protein forms S63A.
Identifiers: ClinVar variation 2393997 (VCV002393997.4), dbSNP rs1171894836, ClinGen allele CA377189768.